The following is an entry in ClinVar:

ClinVar aggregate classification (germline): Likely benign. Review status: criteria provided, multiple submitters, no conflicts (2 of 4 stars). 2 submissions from 2 submitters: Likely benign (2). Last evaluated 2025-11-01.

gnomAD v4.1: 2,157 of 1,614,188 alleles (0.13%); highest among the groups gnomAD compares: Non-Finnish European, 0.15%; 3 homozygotes.

Submissions (2):

CeGaT Center for Human Genetics Tuebingen
Classification: Likely benign. Last evaluated: 2025-11-01. Review status: criteria provided, single submitter. Criteria: CeGaT Center For Human Genetics Tuebingen Variant Classification Criteria Version 2. Collection method: clinical testing. Allele origin: germline. Affected: yes. Observed: 1 variant allele.
Comment: ANKRD17: BP4, BP7

Blueprint Genetics
Classification: Likely benign. Last evaluated: 2024-10-02. Review status: criteria provided, single submitter. Criteria: ACMG Guidelines, 2015. Collection method: clinical testing. Allele origin: germline.

NM_032217.5(ANKRD17):c.5769T>C (p.Thr1923=)

Gene: ANKRD17 (ankyrin repeat domain 17; minus strand). Cytogenetic location: 4q13.3.
Variant type: single nucleotide variant.
Coding change: c.5769T>C on transcript NM_032217.5 (MANE Select); coding-DNA position 5769, T replaced by C.
Protein change: p.Thr1923=; no amino-acid change (threonine 1923 retained).
Molecular consequence: synonymous variant.
Genome position (GRCh38, 1-based): chr4:73,091,859, A>G on the plus strand (T>C on the coding strand, the complement: ANKRD17 is on the minus strand). VCF-style: chr4-73091859-A-G. GRCh37 (hg19) VCF-style: chr4-73957576-A-G.
Other names: c.5430T>C, p.Thr1810= (NM_001286771.3); c.5766T>C, p.Thr1922= (NM_015574.2); c.5016T>C, p.Thr1672= (NM_198889.3).
Identifiers: ClinVar variation 4533603 (VCV004533603.7).